The following is an entry in ClinVar:

ClinVar aggregate classification (germline): Uncertain significance (1 of 4 stars; one submission).

Conditions:
Inborn genetic diseases. Identifiers: MedGen C0950123, MeSH D030342.

Submission:

Ambry Genetics
Classification: Uncertain significance for Inborn genetic diseases. Last evaluated: 2025-05-24. Review status: criteria provided, single submitter. Criteria: Ambry Variant Classification Scheme 2023. Collection method: clinical testing. Allele origin: germline.
Comment: The p.Y423F variant (also known as c.1268A>T), located in coding exon 12 of the DDX41 gene, results from an A to T substitution at nucleotide position 1268. The tyrosine at codon 423 is replaced by phenylalanine, an amino acid with highly similar properties. This amino acid position is conserved. In addition, the in silico prediction for this alteration is inconclusive. Based on the available evidence, the clinical significance of this variant remains unclear.

NM_016222.4(DDX41):c.1268A>T (p.Tyr423Phe)

Gene: DDX41 (DEAD-box helicase 41; minus strand). Cytogenetic location: 5q35.3.
Variant type: single nucleotide variant.
Coding change: c.1268A>T on transcript NM_016222.4 (MANE Select); coding-DNA position 1268, A replaced by T.
Protein change: p.Tyr423Phe; replaces tyrosine 423 with phenylalanine.
Molecular consequence: missense variant.
Genome position (GRCh38, 1-based): chr5:177,513,045, T>A on the plus strand (A>T on the coding strand, the complement: DDX41 is on the minus strand). VCF-style: chr5-177513045-T-A. GRCh37 (hg19) VCF-style: chr5-176940046-T-A.
Other names: c.890A>T, p.Tyr297Phe (NM_001321732.2, NM_001321830.2); short protein forms Y297F, Y423F.
Identifiers: ClinVar variation 4010368 (VCV004010368.1).